The following is an entry in ClinVar:

ClinVar aggregate classification (germline): Uncertain significance (1 of 4 stars; one submission).

Submission:

Labcorp Genetics (formerly Invitae), Labcorp
Classification: Uncertain significance. Last evaluated: 2023-08-10. Review status: criteria provided, single submitter. Criteria: Invitae Variant Classification Sherloc (09022015). Collection method: clinical testing. Allele origin: germline.
Comment: In summary, the available evidence is currently insufficient to determine the role of this variant in disease. Therefore, it has been classified as a Variant of Uncertain Significance. Algorithms developed to predict the effect of sequence changes on RNA splicing suggest that this variant may create or strengthen a splice site. This variant has not been reported in the literature in individuals affected with ATP6AP1-related conditions. This variant is not present in population databases (gnomAD no frequency). This sequence change affects codon 258 of the ATP6AP1 mRNA. It is a 'silent' change, meaning that it does not change the encoded amino acid sequence of the ATP6AP1 protein.

NM_001183.6(ATP6AP1):c.774G>A (p.Val258=)

Gene: ATP6AP1 (ATPase H+ transporting accessory protein 1; plus strand). Cytogenetic location: Xq28.
Variant type: single nucleotide variant.
Coding change: c.774G>A on transcript NM_001183.6 (MANE Select); coding-DNA position 774, G replaced by A.
Protein change: p.Val258=; no amino-acid change (valine 258 retained).
Molecular consequence: synonymous variant.
Genome position (GRCh38, 1-based): chrX:154,434,297, G>A. VCF-style: chrX-154434297-G-A. GRCh37 (hg19) VCF-style: chrX-153662643-G-A.
Identifiers: ClinVar variation 2751744 (VCV002751744.3), dbSNP rs782208675, ClinGen allele CA519283687.